The following is an entry in ClinVar:

NM_025251.3(ARHGAP39):c.1301G>T (p.Cys434Phe)

Gene: ARHGAP39 (Rho GTPase activating protein 39; minus strand). Cytogenetic location: 8q24.3.
Variant type: single nucleotide variant.
Coding change: c.1301G>T on transcript NM_025251.3 (MANE Select); coding-DNA position 1301, G replaced by T.
Protein change: p.Cys434Phe; replaces cysteine 434 with phenylalanine.
Molecular consequence: missense variant.
Genome position (GRCh38, 1-based): chr8:144,547,785, C>A on the plus strand (G>T on the coding strand, the complement: ARHGAP39 is on the minus strand). VCF-style: chr8-144547785-C-A. GRCh37 (hg19) VCF-style: chr8-145773169-C-A.
Other names: c.1301G>T, p.Cys434Phe (NM_001308207.1, NM_001308208.2); short protein forms C434F.
Identifiers: ClinVar variation 3383210 (VCV003383210.2).

ClinVar aggregate classification (germline): Uncertain significance. Review status: criteria provided, single submitter (1 of 4 stars). 2 submissions from 2 submitters: Uncertain significance (1). 1 of the submissions does not count toward it. Last evaluated 2026-07-15.

Conditions:
Pontoneocerebellar hypoplasia. Also called: Pontocerebellar hypoplasia; Non-syndromic pontocerebellar hypoplasia. Identifiers: Orphanet 98523, MedGen C1261175, MONDO:0020135.

gnomAD v4.1: 5 of 1,597,300 alleles (0.00031%); highest among the groups gnomAD compares: Middle Eastern, 0.017%; no homozygotes.

Submissions (2):

Department of Basic Medical Sciences, College of Medicine, Taibah University
Classification: Uncertain significance for Pontocerebellar hypoplasia. Last evaluated: 2026-07-15. Review status: criteria provided, single submitter. Criteria: ACMG Guidelines, 2015. Collection method: research. Allele origin: germline. Inheritance: Autosomal recessive inheritance. Affected: yes.
Comment: The ARHGAP39 NM_025251.2:c.1301G>T (p.Cys434Phe) variant results in substitution of a highly conserved cysteine residue by phenylalanine at codon 434. The variant is absent or extremely rare in population databases. It has been reported in the homozygous state in affected members of a consanguineous family with cerebellar vermis hypoplasia and multiple congenital anomalies and segregates with disease within the family. Computational prediction supports a deleterious effect of this amino acid substitution. This is the first report of an ARHGAP39 gene association with a human phenotype. This variant is believed to be disease-causing. However, more evidence supporting a definitive gene–disease relationship and variant-specific functional studies or independent case reports will help understand more about the pathogenicity of this variant

OMIM
Classification: Uncertain significance for VARIANT OF UNKNOWN SIGNIFICANCE. Last evaluated: 2024-11-27. Review status: no assertion criteria provided. Collection method: literature only. Allele origin: germline. Not counted in ClinVar's aggregate classification.

Literature cited by the submitters: PubMed 39455833 (cited by Department of Basic Medical Sciences, College of Medicine, Taibah University and OMIM).